The following is an entry in ClinVar:

NM_057175.5(NAA15):c.107T>C (p.Ile36Thr)

Gene: NAA15 (N-alpha-acetyltransferase 15, NatA auxiliary subunit; plus strand). Cytogenetic location: 4q31.1.
Variant type: single nucleotide variant.
Coding change: c.107T>C on transcript NM_057175.5 (MANE Select); coding-DNA position 107, T replaced by C.
Protein change: p.Ile36Thr; replaces isoleucine 36 with threonine.
Molecular consequence: missense variant.
Genome position (GRCh38, 1-based): chr4:139,334,226, T>C. VCF-style: chr4-139334226-T-C. GRCh37 (hg19) VCF-style: chr4-140255380-T-C.
Other names: c.107T>C, p.Ile36Thr (NM_001410842.1); short protein forms I36T.
Identifiers: ClinVar variation 3877374 (VCV003877374.2).

ClinVar aggregate classification (germline): Likely pathogenic (1 of 4 stars; one submission).

Conditions:
Inborn genetic diseases. Identifiers: MedGen C0950123, MeSH D030342.

Submission:

Ambry Genetics
Classification: Likely pathogenic for Inborn genetic diseases. Last evaluated: 2025-03-31. Review status: criteria provided, single submitter. Criteria: Ambry Variant Classification Scheme 2023. Collection method: clinical testing. Allele origin: germline.
Comment: The c.107T>C (p.I36T) alteration is located in exon 2 (coding exon 2) of the NAA15 gene. This alteration results from a T to C substitution at nucleotide position 107, causing the isoleucine (I) at amino acid position 36 to be replaced by a threonine (T). This variant was not reported in population-based cohorts in the Genome Aggregation Database (gnomAD). This amino acid position is highly conserved in available vertebrate species. This missense alteration is located in a region that has a low rate of benign missense variation (Lek, 2016; Firth, 2009). This alteration is predicted to be deleterious by in silico analysis. Based on the available evidence, this alteration is classified as likely pathogenic.